The following is an entry in ClinVar:

ClinVar aggregate classification (germline): Uncertain significance (1 of 4 stars; one submission).

Conditions:
Neuropathy, hereditary sensory, type 2C. Also called: KIF1A-Related HSAN2 (HSAN2C); Hereditary sensory and autonomic neuropathy type IIC. Identifiers: Orphanet 970, MedGen C3280168, MONDO:0013634, OMIM 614213.
Hereditary spastic paraplegia 30. Identifiers: Orphanet 101010, MedGen C5235139, MONDO:0012476.
Intellectual disability, autosomal dominant 9 (NESCAVS). Also called: KIF1A-Related Neurodevelopmental Disorder; NESCAV SYNDROME. Identifiers: Orphanet 662367, MedGen C5393830, MONDO:0013656, OMIM 614255.

gnomAD v4.1: 2 of 1,613,790 alleles (0.00012%); highest among the groups gnomAD compares: Non-Finnish European, 0.00017%; no homozygotes.

Submission:

Labcorp Genetics (formerly Invitae), Labcorp
Classification: Uncertain significance for Hereditary spastic paraplegia 30; Neuropathy, hereditary sensory, type 2C; Intellectual disability, autosomal dominant 9. Last evaluated: 2026-02-03. Review status: criteria provided, single submitter. Criteria: Invitae Variant Classification Sherloc (09022015). Collection method: clinical testing. Allele origin: germline.
Comment: This sequence change replaces serine, which is neutral and polar, with glycine, which is neutral and non-polar, at codon 1069 of the KIF1A protein (p.Ser1069Gly). This variant is not present in population databases (gnomAD no frequency). This variant has not been reported in the literature in individuals affected with KIF1A-related conditions. Invitae Evidence Modeling of protein sequence and biophysical properties (such as structural, functional, and spatial information, amino acid conservation, physicochemical variation, residue mobility, and thermodynamic stability) indicates that this missense variant is not expected to disrupt KIF1A protein function with a negative predictive value of 95%. In summary, the available evidence is currently insufficient to determine the role of this variant in disease. Therefore, it has been classified as a Variant of Uncertain Significance.

NM_001244008.2(KIF1A):c.3508A>G (p.Ser1170Gly)

Gene: KIF1A (kinesin family member 1A; minus strand). Cytogenetic location: 2q37.3.
Variant type: single nucleotide variant.
Coding change: c.3508A>G on transcript NM_001244008.2 (MANE Select); coding-DNA position 3508, A replaced by G.
Protein change: p.Ser1170Gly; replaces serine 1170 with glycine.
Molecular consequence: missense variant.
Genome position (GRCh38, 1-based): chr2:240,744,018, T>C on the plus strand (A>G on the coding strand, the complement: KIF1A is on the minus strand). VCF-style: chr2-240744018-T-C. GRCh37 (hg19) VCF-style: chr2-241683435-T-C.
Other names: c.3232A>G, p.Ser1078Gly (NM_001320705.2, NM_001330289.2, NM_001379638.1); c.3307A>G, p.Ser1103Gly (NM_001330290.2, NM_001379634.1, NM_001379635.1 and 1 more transcripts); c.3583A>G, p.Ser1195Gly (NM_001379631.1); c.3457A>G, p.Ser1153Gly (NM_001379632.1); c.3481A>G, p.Ser1161Gly (NM_001379633.1, NM_001379642.1, NM_001379645.1); c.3205A>G, p.Ser1069Gly (NM_001379636.1, NM_001379639.1, NM_001379641.1 and 5 more transcripts); c.3280A>G, p.Ser1094Gly (NM_001379637.1, NM_001379648.1); c.3202A>G, p.Ser1068Gly (NM_001379640.1); short protein forms S1161G, S1195G, S1068G, S1069G, S1103G, S1078G, S1153G, S1094G.
Identifiers: ClinVar variation 4789371 (VCV004789371.1).